The following is an entry in ClinVar:

ClinVar aggregate classification (germline): Likely pathogenic (1 of 4 stars; one submission).

Conditions:
T-B+ severe combined immunodeficiency due to JAK3 deficiency. Also called: SCID, autosomal recessive, T-negative/B-positive type; SCID, T CELL-NEGATIVE, B CELL-POSITIVE, NK CELL-NEGATIVE. Identifiers: Orphanet 35078, MedGen C1833275, MONDO:0010938, OMIM 600802.

Submission:

Labcorp Genetics (formerly Invitae), Labcorp
Classification: Likely pathogenic for T-B+ severe combined immunodeficiency due to JAK3 deficiency. Last evaluated: 2021-09-28. Review status: criteria provided, single submitter. Criteria: Invitae Variant Classification Sherloc (09022015). Collection method: clinical testing. Allele origin: germline.
Comment: This variant results in the deletion of c.2045_2351-671del of the JAK3 gene. It is expected to disrupt RNA splicing. Variants that disrupt the donor or acceptor splice site typically lead to a loss of protein function (PMID: 16199547), and loss-of-function variants in JAK3 are known to be pathogenic (PMID: 7481768, 11668621). This variant has not been reported in the literature in individuals affected with JAK3-related conditions. In summary, the currently available evidence indicates that the variant is pathogenic, but additional data are needed to prove that conclusively. Therefore, this variant has been classified as Likely Pathogenic.

Literature cited by the submitters: PubMed 16199547; PubMed 7481768; PubMed 11668621.

NC_000019.9:g.(?_17944409)_(17945894_?)del

Gene: JAK3 (Janus kinase 3; minus strand). Cytogenetic location: 19p13.11.
Variant type: Deletion.
Identifiers: ClinVar variation 1348959 (VCV001348959.4).